The following is an entry in ClinVar:

ClinVar aggregate classification (germline): Uncertain significance (1 of 4 stars; one submission).

Conditions:
Werner syndrome (WRN). Identifiers: Orphanet 902, MedGen C0043119, MONDO:0010196, OMIM 277700.

Allele frequency attached by ClinVar (database versions not stated): gnomAD exomes below 0.00001.
gnomAD v4.1: 1 of 1,609,936 alleles (0.000062%); highest among the groups gnomAD compares: Non-Finnish European, 0.000085%; no homozygotes.

Submission:

Labcorp Genetics (formerly Invitae), Labcorp
Classification: Uncertain significance for Werner syndrome. Last evaluated: 2024-02-14. Review status: criteria provided, single submitter. Criteria: Invitae Variant Classification Sherloc (09022015). Collection method: clinical testing. Allele origin: germline.
Comment: This sequence change replaces histidine, which is basic and polar, with tyrosine, which is neutral and polar, at codon 424 of the WRN protein (p.His424Tyr). This variant is not present in population databases (gnomAD no frequency). This variant has not been reported in the literature in individuals affected with WRN-related conditions. ClinVar contains an entry for this variant (Variation ID: 1380325). An algorithm developed to predict the effect of missense changes on protein structure and function (PolyPhen-2) suggests that this variant is likely to be tolerated. In summary, the available evidence is currently insufficient to determine the role of this variant in disease. Therefore, it has been classified as a Variant of Uncertain Significance.

NM_000553.6(WRN):c.1270C>T (p.His424Tyr)

Gene: WRN (WRN RecQ like helicase; plus strand). Cytogenetic location: 8p12.
Variant type: single nucleotide variant.
Coding change: c.1270C>T on transcript NM_000553.6 (MANE Select); coding-DNA position 1270, C replaced by T.
Protein change: p.His424Tyr; replaces histidine 424 with tyrosine.
Molecular consequence: missense variant.
Genome position (GRCh38, 1-based): chr8:31,083,699, C>T. VCF-style: chr8-31083699-C-T. GRCh37 (hg19) VCF-style: chr8-30941215-C-T.
Other names: short protein forms H424Y.
Identifiers: ClinVar variation 1380325 (VCV001380325.8), dbSNP rs2130132983, ClinGen allele CA370922379.